The following is an entry in ClinVar:

ClinVar aggregate classification (germline): Uncertain significance (1 of 4 stars; one submission).

gnomAD v4.1: 39 of 1,613,950 alleles (0.0024%); highest among the groups gnomAD compares: Non-Finnish European, 0.0031%; no homozygotes.

Submission:

Labcorp Genetics (formerly Invitae), Labcorp
Classification: Uncertain significance. Last evaluated: 2024-02-17. Review status: criteria provided, single submitter. Criteria: Invitae Variant Classification Sherloc (09022015). Collection method: clinical testing. Allele origin: germline.
Comment: This sequence change replaces threonine, which is neutral and polar, with alanine, which is neutral and non-polar, at codon 2353 of the VCAN protein (p.Thr2353Ala). This variant is present in population databases (no rsID available, gnomAD 0.03%). This variant has not been reported in the literature in individuals affected with VCAN-related conditions. Algorithms developed to predict the effect of missense changes on protein structure and function output the following: SIFT: "Not Available"; PolyPhen-2: "Benign"; Align-GVGD: "Not Available". The alanine amino acid residue is found in multiple mammalian species, which suggests that this missense change does not adversely affect protein function. In summary, the available evidence is currently insufficient to determine the role of this variant in disease. Therefore, it has been classified as a Variant of Uncertain Significance.

NM_004385.5(VCAN):c.7057A>G (p.Thr2353Ala)

Genes: VCAN (versican; plus strand), VCAN-AS1 (VCAN antisense RNA 1; minus strand). Cytogenetic location: 5q14.3.
Variant type: single nucleotide variant.
Coding change: c.7057A>G on transcript NM_004385.5 (MANE Select); coding-DNA position 7057, A replaced by G.
Protein change: p.Thr2353Ala; replaces threonine 2353 with alanine.
Molecular consequence: missense variant. On other transcripts: intron variant (2).
Genome position (GRCh38, 1-based): chr5:83,540,060, A>G. VCF-style: chr5-83540060-A-G. GRCh37 (hg19) VCF-style: chr5-82835879-A-G.
Other names: c.4096A>G, p.Thr1366Ala (NM_001164097.2); c.4004-5477A>G (NM_001164098.2); c.1043-5477A>G (NM_001126336.3); short protein forms T2353A, T1366A.
Identifiers: ClinVar variation 3631781 (VCV003631781.2).